The following is an entry in ClinVar:

NM_022489.4(INF2):c.1471C>T (p.Pro491Ser)

Gene: INF2 (inverted formin 2; plus strand). Cytogenetic location: 14q32.33.
Variant type: single nucleotide variant.
Coding change: c.1471C>T on transcript NM_022489.4 (MANE Select); coding-DNA position 1471, C replaced by T.
Protein change: p.Pro491Ser; replaces proline 491 with serine.
Molecular consequence: missense variant.
Genome position (GRCh38, 1-based): chr14:104,707,738, C>T. VCF-style: chr14-104707738-C-T. GRCh37 (hg19) VCF-style: chr14-105174075-C-T.
Other names: c.1471C>T, p.Pro491Ser (NM_001031714.4); short protein forms P491S.
Identifiers: ClinVar variation 1513555 (VCV001513555.8), dbSNP rs1378009593, ClinGen allele CA391217165.

ClinVar aggregate classification (germline): Uncertain significance (1 of 4 stars; one submission).

Conditions:
Focal segmental glomerulosclerosis 5 (FSGS5). Identifiers: Orphanet 656, MedGen C2750475, MONDO:0013191, OMIM 613237.
Charcot-Marie-Tooth disease dominant intermediate E. Also called: CHARCOT-MARIE-TOOTH NEUROPATHY WITH FOCAL SEGMENTAL GLOMERULONEPHRITIS. Identifiers: Orphanet 93114, MedGen C4302667, MONDO:0013758, OMIM 614455.

Allele frequency attached by ClinVar (database versions not stated): gnomAD 0.00001.
gnomAD v4.1: 3 of 1,356,290 alleles (0.00022%); highest among the groups gnomAD compares: African/African-American, 0.0015%; no homozygotes.

Submission:

Labcorp Genetics (formerly Invitae), Labcorp
Classification: Uncertain significance for Charcot-Marie-Tooth disease dominant intermediate E; Focal segmental glomerulosclerosis 5. Last evaluated: 2024-06-03. Review status: criteria provided, single submitter. Criteria: Invitae Variant Classification Sherloc (09022015). Collection method: clinical testing. Allele origin: germline.
Comment: This sequence change replaces proline, which is neutral and non-polar, with serine, which is neutral and polar, at codon 491 of the INF2 protein (p.Pro491Ser). This variant is not present in population databases (gnomAD no frequency). This variant has not been reported in the literature in individuals affected with INF2-related conditions. ClinVar contains an entry for this variant (Variation ID: 1513555). Advanced modeling of protein sequence and biophysical properties (such as structural, functional, and spatial information, amino acid conservation, physicochemical variation, residue mobility, and thermodynamic stability) performed at Invitae indicates that this missense variant is not expected to disrupt INF2 protein function with a negative predictive value of 95%. In summary, the available evidence is currently insufficient to determine the role of this variant in disease. Therefore, it has been classified as a Variant of Uncertain Significance.